The following is an entry in ClinVar:

ClinVar aggregate classification (germline): Likely benign (1 of 4 stars; one submission).

gnomAD v4.1: 97 of 1,613,916 alleles (0.006%); highest among the groups gnomAD compares: East Asian, 0.071%; no homozygotes.

Submission:

CeGaT Center for Human Genetics Tuebingen
Classification: Likely benign. Last evaluated: 2026-05-01. Review status: criteria provided, single submitter. Criteria: CeGaT Center For Human Genetics Tuebingen Variant Classification Criteria Version 2. Collection method: clinical testing. Allele origin: germline. Affected: yes. Observed: 1 variant allele.
Comment: AGO2: BP4, BP7

NM_012154.5(AGO2):c.1632G>A (p.Thr544=)

Gene: AGO2 (argonaute RISC catalytic component 2; minus strand). Cytogenetic location: 8q24.3.
Variant type: single nucleotide variant.
Coding change: c.1632G>A on transcript NM_012154.5 (MANE Select); coding-DNA position 1632, G replaced by A.
Protein change: p.Thr544=; no amino-acid change (threonine 544 retained).
Molecular consequence: synonymous variant.
Genome position (GRCh38, 1-based): chr8:140,547,584, C>T on the plus strand (G>A on the coding strand, the complement: AGO2 is on the minus strand). VCF-style: chr8-140547584-C-T. GRCh37 (hg19) VCF-style: chr8-141557683-C-T.
Other names: c.1632G>A, p.Thr544= (NM_001164623.3).
Identifiers: ClinVar variation 4873938 (VCV004873938.2).
Genomic context (GRCh38, chr8:140,547,584, plus strand): 5'-GCAGAGGTTGGACAGGGTCTGTGGCGTGGTCCTCTGCACGTTCTTCATCTGCACGCACTG[C>T]GTGGCCATCCCCAGCACCGTGTCTCCCACGCGCTTGACCTCGGCTAAGGGACATGAGAGG-3'
Protein context (NP_036286.2, residues 534-554): RVGDTVLGMA[Thr544=]QCVQMKNVQR